The following is an entry in ClinVar:

NM_001077525.3(MTMR14):c.1127+6C>T

Gene: MTMR14 (myotubularin related protein 14; plus strand). Cytogenetic location: 3p25.3.
Variant type: single nucleotide variant.
Coding change: c.1127+6C>T on transcript NM_001077525.3 (MANE Select); 6 bases into the intron after coding-DNA position 1127, C replaced by T.
Molecular consequence: intron variant.
Genome position (GRCh38, 1-based): chr3:9,684,970, C>T. VCF-style: chr3-9684970-C-T. GRCh37 (hg19) VCF-style: chr3-9726654-C-T.
Other names: c.1127+6C>T (NM_001077526.3, NM_022485.5).
Identifiers: ClinVar variation 1388321 (VCV001388321.6), dbSNP rs2125273945, ClinGen allele CA2573136960.

ClinVar aggregate classification (germline): Uncertain significance (1 of 4 stars; one submission).

Allele frequency attached by ClinVar (database versions not stated): gnomAD exomes below 0.00001.
gnomAD v4.1: 1 of 1,613,964 alleles (0.000062%); highest among the groups gnomAD compares: Non-Finnish European, 0.000085%; no homozygotes.

Submission:

Labcorp Genetics (formerly Invitae), Labcorp
Classification: Uncertain significance. Last evaluated: 2021-10-21. Review status: criteria provided, single submitter. Criteria: Invitae Variant Classification Sherloc (09022015). Collection method: clinical testing. Allele origin: germline.
Comment: This sequence change falls in intron 12 of the MTMR14 gene. It does not directly change the encoded amino acid sequence of the MTMR14 protein. It affects a nucleotide within the consensus splice site. This variant is not present in population databases (ExAC no frequency). This variant has not been reported in the literature in individuals affected with MTMR14-related conditions. Variants that disrupt the consensus splice site are a relatively common cause of aberrant splicing (PMID: 17576681, 9536098). Algorithms developed to predict the effect of sequence changes on RNA splicing suggest that this variant is not likely to affect RNA splicing. In summary, the available evidence is currently insufficient to determine the role of this variant in disease. Therefore, it has been classified as a Variant of Uncertain Significance.

Literature cited by the submitters: PubMed 17576681; PubMed 9536098.